The following is an entry in ClinVar:

NM_021254.4(CFAP298):c.762+6A>G

Genes: CFAP298 (cilia and flagella associated protein 298; minus strand), CFAP298-TCP10L (CFAP298-TCP10L readthrough; minus strand). Cytogenetic location: 21q22.11.
Variant type: single nucleotide variant.
Coding change: c.762+6A>G on transcript NM_021254.4 (MANE Select); 6 bases into the intron after coding-DNA position 762, A replaced by G.
Molecular consequence: intron variant. On other transcripts: 3 prime UTR variant (1), synonymous variant (1).
Genome position (GRCh38, 1-based): chr21:32,602,266, T>C on the plus strand (A>G on the coding strand, the complement: CFAP298 is on the minus strand). VCF-style: chr21-32602266-T-C. GRCh37 (hg19) VCF-style: chr21-33974576-T-C.
Other names: p.?; c.*823A>G (NM_001350335.2); c.768A>G, p.Ala256= (NM_001350337.2); c.666+895A>G (NM_001350338.2); c.465+6A>G (NM_001350334.2); c.667-293A>G (NM_001350336.2).
Identifiers: ClinVar variation 413308 (VCV000413308.19), dbSNP rs138091636, ClinGen allele CA10002734.

ClinVar aggregate classification (germline): Benign/Likely benign. Review status: criteria provided, multiple submitters, no conflicts (2 of 4 stars). 5 submissions from 5 submitters: Benign (3); Likely benign (1). 1 of the submissions does not count toward it. Last evaluated 2026-01-15.

Conditions:
CFAP298-related disorder. Also called: CFAP298-related condition.

Allele frequency attached by ClinVar (database versions not stated): gnomAD exomes 0.00070 and 0.00138; gnomAD 0.00467 and 0.00443; 1000 Genomes Project 30x 0.00468; ESP Exome Variant Server 0.00500; TOPMed 0.00514; 1000 Genomes Project 0.00519; ExAC 0.00171.
gnomAD v4.1: 1,762 of 1,613,842 alleles (0.11%); highest among the groups gnomAD compares: African/African-American, 1.6%; 11 homozygotes.

Submissions (5):

Labcorp Genetics (formerly Invitae), Labcorp
Classification: Benign. Last evaluated: 2026-01-15. Review status: criteria provided, single submitter. Criteria: Invitae Variant Classification Sherloc (09022015). Collection method: clinical testing. Allele origin: germline.

Mayo Clinic Laboratories, Mayo Clinic
Classification: Likely benign. Last evaluated: 2025-01-15. Review status: criteria provided, single submitter. Criteria: ACMG Guidelines, 2015. Collection method: clinical testing. Allele origin: germline. Observed: 1 variant allele.
Comment: BS1, BS2_supporting, BP4_moderate, BP7

GeneDx
Classification: Benign. Last evaluated: 2019-05-28. Review status: criteria provided, single submitter. Criteria: GeneDx Variant Classification Process June 2021. Collection method: clinical testing. Allele origin: germline. Affected: yes.

Breakthrough Genomics
Classification: Benign. Review status: criteria provided, single submitter. Criteria: ACMG Guidelines, 2015. Collection method: not provided. Allele origin: germline. Inheritance: Autosomal recessive inheritance. Affected: yes.

PreventionGenetics, part of Exact Sciences
Classification: Benign for CFAP298-related condition. Last evaluated: 2019-09-25. Review status: no assertion criteria provided. Collection method: clinical testing. Allele origin: germline. Not counted in ClinVar's aggregate classification.
Comment: This variant is classified as benign based on ACMG/AMP sequence variant interpretation guidelines (Richards et al. 2015 PMID: 25741868, with internal and published modifications).